The following is an entry in ClinVar:

ClinVar aggregate classification (germline): Likely pathogenic (1 of 4 stars; one submission).

Conditions:
RPL5-related disorder. Also called: RPL5-related condition.

Submission:

PreventionGenetics, part of Exact Sciences
Classification: Likely pathogenic for RPL5-related condition. Last evaluated: 2023-04-10. Review status: criteria provided, single submitter. Criteria: ACMG Guidelines, 2015. Collection method: clinical testing. Allele origin: germline.
Comment: The RPL5 c.89_107del19 variant is predicted to result in a frameshift and premature protein termination (p.Tyr30Trpfs*2). To our knowledge, this variant has not been reported in the literature or in a large population database, indicating this variant is rare. Frameshift mutations in RPL5 are interpreted to be pathogenic (Ulirsch et al. 2018. PubMed ID: 30503522; Di Donato et al. 2016. PubMed ID: 27773430; Tsangaris et al. 2011. PubMed ID: 21659346). This variant is interpreted as likely pathogenic.

NM_000969.5(RPL5):c.89_107del (p.Tyr30fs)

Genes: DIPK1A (divergent protein kinase domain 1A; minus strand), RPL5 (ribosomal protein L5; plus strand). Cytogenetic location: 1p22.1.
Variant type: Deletion.
Coding change: c.89_107del on transcript NM_000969.5 (MANE Select); coding-DNA positions 89 to 107, 19 bases deleted (ATTATGCTCGGAAACGCTT).
Protein change: p.Tyr30fs; shifts the reading frame from tyrosine 30.
Molecular consequence: frameshift variant. On other transcripts: non-coding transcript variant (1), intron variant (1).
Genome position (GRCh38, 1-based): chr1:92,833,560-92,833,578, ATTATGCTCGGAAACGCTT deleted; deleting any 19 consecutive bases within chr1:92,833,558-92,833,578 gives the same sequence; the c. name uses the placement nearest the transcript's 3' end. VCF-style (leftmost placement, unchanged base first): chr1-92833557-ATTATTATGCTCGGAAACGC-A. GRCh37 (hg19) VCF-style: chr1-93299114-ATTATTATGCTCGGAAACGC-A.
Other names: c.475-542_475-524del (NM_001252273.2); short protein forms Y30fs.
Identifiers: ClinVar variation 2633707 (VCV002633707.1), dbSNP rs2524448298, ClinGen allele CA2695198059.